The following is an entry in ClinVar:

ClinVar aggregate classification (germline): Conflicting classifications of pathogenicity. Review status: criteria provided, conflicting classifications (1 of 4 stars). 4 submissions from 3 submitters: Uncertain significance (1); Benign (1); Likely benign (2). Last evaluated 2023-06-01.

Conditions:
Susceptibility to mononeuropathy of the median nerve, mild. Also called: CARPAL TUNNEL SYNDROME, SUSCEPTIBILITY TO. Identifiers: MedGen C3150596, MONDO:0013237, OMIM 613353.
Charcot-Marie-Tooth disease type 4C (CMT4C). Also called: Charcot-Marie-Tooth Neuropathy Type 4C (CMT4C); CHARCOT-MARIE-TOOTH DISEASE, DEMYELINATING, TYPE 4C; CHARCOT-MARIE-TOOTH DISEASE, DEMYELINATING, AUTOSOMAL RECESSIVE, TYPE 4C; CMT 4C; SH3TC2-Related Hereditary Motor and Sensory Neuropathy. Identifiers: Orphanet 99949, MedGen C1866636, MONDO:0011113, OMIM 601596.

Allele frequency attached by ClinVar (database versions not stated): 1000 Genomes Project 0.00160; 1000 Genomes Project 30x 0.00203; gnomAD 0.00796 and 0.00853; TOPMed 0.00898.
gnomAD v4.1: 1,265 of 152,322 alleles (0.83%); highest among the groups gnomAD compares: Non-Finnish European, 1.4%; 10 homozygotes.

Submissions (4):

CeGaT Center for Human Genetics Tuebingen
Classification: Benign. Last evaluated: 2023-06-01. Review status: criteria provided, single submitter. Criteria: CeGaT Center For Human Genetics Tuebingen Variant Classification Criteria Version 2. Collection method: clinical testing. Allele origin: germline. Affected: yes. Observed: 8 variant alleles.
Comment: SH3TC2: BS1, BS2

GeneDx
Classification: Likely benign. Last evaluated: 2021-05-20. Review status: criteria provided, single submitter. Criteria: GeneDx Variant Classification Process June 2021. Collection method: clinical testing. Allele origin: germline. Affected: yes.

Illumina Laboratory Services, Illumina
Classification: Uncertain significance for Charcot-Marie-Tooth disease type 4C. Last evaluated: 2018-01-13. Review status: criteria provided, single submitter. Criteria: ICSL Variant Classification Criteria 13 December 2019. Collection method: clinical testing. Allele origin: germline.

Illumina Laboratory Services, Illumina
Classification: Likely benign for Susceptibility to mononeuropathy of the median nerve, mild. Last evaluated: 2018-01-13. Review status: criteria provided, single submitter. Criteria: ICSL Variant Classification Criteria 13 December 2019. Collection method: clinical testing. Allele origin: germline.
Comment: This variant was observed in the ICSL laboratory as part of a predisposition screen in an ostensibly healthy population. It had not been previously curated by ICSL or reported in the Human Gene Mutation Database (HGMD: prior to June 1st, 2018), and was therefore a candidate for classification through an automated scoring system. Utilizing variant allele frequency, disease prevalence and penetrance estimates, and inheritance mode, an automated score was calculated to assess if this variant is too frequent to cause the disease. Based on the score and internal cut-off values, a variant classified as likely benign is not then subjected to further curation. The score for this variant resulted in a classification of likely benign for this disease.

NM_024577.4(SH3TC2):c.*10864G>A

Gene: SH3TC2 (SH3 domain and tetratricopeptide repeats 2; minus strand). Cytogenetic location: 5q32.
Variant type: single nucleotide variant.
Coding change: c.*10864G>A on transcript NM_024577.4 (MANE Select); 10864 bases downstream of the stop codon, G replaced by A.
Molecular consequence: 3 prime UTR variant.
Genome position (GRCh38, 1-based): chr5:148,993,847, C>T on the plus strand (G>A on the coding strand, the complement: SH3TC2 is on the minus strand). VCF-style: chr5-148993847-C-T. GRCh37 (hg19) VCF-style: chr5-148373410-C-T.
Identifiers: ClinVar variation 351703 (VCV000351703.35), dbSNP rs189701174, ClinGen allele CA10623238.